The following is an entry in ClinVar:

NM_004360.5(CDH1):c.2534T>A (p.Leu845Gln)

Gene: CDH1 (cadherin 1; plus strand). Cytogenetic location: 16q22.1.
Variant type: single nucleotide variant.
Coding change: c.2534T>A on transcript NM_004360.5 (MANE Select); coding-DNA position 2534, T replaced by A.
Protein change: p.Leu845Gln; replaces leucine 845 with glutamine.
Molecular consequence: missense variant.
Genome position (GRCh38, 1-based): chr16:68,833,384, T>A. VCF-style: chr16-68833384-T-A. GRCh37 (hg19) VCF-style: chr16-68867287-T-A.
Other names: c.2351T>A, p.Leu784Gln (NM_001317184.2); c.986T>A, p.Leu329Gln (NM_001317185.2); c.569T>A, p.Leu190Gln (NM_001317186.2); short protein forms L190Q, L784Q, L845Q, L329Q.
Identifiers: ClinVar variation 1792745 (VCV001792745.7), dbSNP rs2152144014, ClinGen allele CA396472337.
Genomic context (GRCh38, chr16:68,833,384, plus strand): 5'-CGCCTTATGATTCTCTGCTCGTGTTTGACTATGAAGGAAGCGGTTCCGAAGCTGCTAGTC[T>A]GAGCTCCCTGAACTCCTCAGAGTCAGACAAAGACCAGGACTATGACTACTTGAACGAATG-3'
Protein context (NP_004351.1, residues 835-855): YEGSGSEAAS[Leu845Gln]SSLNSSESDK

ClinVar aggregate classification (germline): Uncertain significance. Review status: criteria provided, multiple submitters, no conflicts (2 of 4 stars). 2 submissions from 2 submitters: Uncertain significance (2). Last evaluated 2023-08-16.

Conditions:
Hereditary cancer-predisposing syndrome. Also called: Neoplastic Syndromes, Hereditary; Tumor predisposition; Hereditary neoplastic syndrome; Hereditary Cancer Syndrome. Identifiers: Orphanet 140162, MedGen C0027672, MeSH D009386, MONDO:0015356.
Hereditary diffuse gastric adenocarcinoma (HDGC). Also called: DIFFUSE GASTRIC AND LOBULAR BREAST CANCER SYNDROME. Identifiers: Orphanet 26106, MedGen C1708349, MONDO:0007648, OMIM 137215.

Submissions (2):

Labcorp Genetics (formerly Invitae), Labcorp
Classification: Uncertain significance for Hereditary diffuse gastric adenocarcinoma. Last evaluated: 2023-08-16. Review status: criteria provided, single submitter. Criteria: Invitae Variant Classification Sherloc (09022015). Collection method: clinical testing. Allele origin: germline.
Comment: This variant is not present in population databases (gnomAD no frequency). This sequence change replaces leucine, which is neutral and non-polar, with glutamine, which is neutral and polar, at codon 845 of the CDH1 protein (p.Leu845Gln). This variant has not been reported in the literature in individuals affected with CDH1-related conditions. In summary, the available evidence is currently insufficient to determine the role of this variant in disease. Therefore, it has been classified as a Variant of Uncertain Significance. An algorithm developed to predict the effect of missense changes on protein structure and function (PolyPhen-2) suggests that this variant is likely to be disruptive. ClinVar contains an entry for this variant (Variation ID: 1792745).

Ambry Genetics
Classification: Uncertain significance for Hereditary cancer-predisposing syndrome. Last evaluated: 2021-09-21. Review status: criteria provided, single submitter. Criteria: Ambry Variant Classification Scheme 2023. Collection method: clinical testing. Allele origin: germline.
Comment: The p.L845Q variant (also known as c.2534T>A), located in coding exon 16 of the CDH1 gene, results from a T to A substitution at nucleotide position 2534. The leucine at codon 845 is replaced by glutamine, an amino acid with dissimilar properties. This amino acid position is well conserved in available vertebrate species. In addition, this alteration is predicted to be deleterious by in silico analysis. Since supporting evidence is limited at this time, the clinical significance of this alteration remains unclear.